The following is an entry in ClinVar:

NM_003024.3(ITSN1):c.3469+1G>A

Gene: ITSN1 (intersectin 1; plus strand). Cytogenetic location: 21q22.11.
Variant type: single nucleotide variant.
Coding change: c.3469+1G>A on transcript NM_003024.3 (MANE Select); the canonical splice donor site of the intron after coding-DNA position 3469, G replaced by A.
Molecular consequence: splice donor variant.
Genome position (GRCh38, 1-based): chr21:33,834,425, G>A. VCF-style: chr21-33834425-G-A. GRCh37 (hg19) VCF-style: chr21-35206729-G-A.
Other names: c.3454+1G>A (NM_001331010.2, NM_001331009.2); c.3469+1G>A (NM_001001132.2); c.3256+1G>A (NM_001331008.2); c.3241+1G>A (NM_001331011.2); c.3343+1G>A (NM_001331012.2).
Identifiers: ClinVar variation 5016704 (VCV005016704.1).

ClinVar aggregate classification (germline): Likely pathogenic (1 of 4 stars; one submission).

Submission:

GeneDx
Classification: Likely pathogenic. Last evaluated: 2026-04-01. Review status: criteria provided, single submitter. Criteria: GeneDx Variant Classification Process June 2021. Collection method: clinical testing. Allele origin: germline.
Comment: Canonical splice site variant predicted to result in a null allele in a gene for which loss of function is a known mechanism of disease; Not observed in large population cohorts (gnomAD); Has not been previously published as pathogenic or benign to our knowledge